The following is an entry in ClinVar:

NM_182641.4(BPTF):c.2611GAA[3] (p.Glu874del)

Gene: BPTF (bromodomain PHD finger transcription factor; plus strand). Cytogenetic location: 17q24.2.
Variant type: Microsatellite.
Coding change: c.2611GAA[3] on transcript NM_182641.4 (MANE Select); three copies in a row of the 3-base unit GAA starting at c.2611; the reference has four copies in a row; one copy, 3 bases deleted.
Protein change: p.Glu874del; deletes glutamic acid 874.
Molecular consequence: inframe deletion.
Genome position (GRCh38, 1-based): chr17:67,903,865-67,903,867, GAA deleted; deleting any 3 consecutive bases within chr17:67,903,856-67,903,867 gives the same sequence; the position shown is the placement nearest the transcript's 3' end. VCF-style (leftmost placement, unchanged base first): chr17-67903855-GGAA-G. GRCh37 (hg19) VCF-style: chr17-65899971-GGAA-G.
Other names: c.2989GAA[3], p.Glu1000del (NM_004459.7); short protein forms E1000del, E874del.
Identifiers: ClinVar variation 3905229 (VCV003905229.11).

ClinVar aggregate classification (germline): Uncertain significance. Review status: criteria provided, multiple submitters, no conflicts (2 of 4 stars). 2 submissions from 2 submitters: Uncertain significance (2). Last evaluated 2025-12-17.

Submissions (2):

Labcorp Genetics (formerly Invitae), Labcorp
Classification: Uncertain significance. Last evaluated: 2025-12-17. Review status: criteria provided, single submitter. Criteria: Invitae Variant Classification Sherloc (09022015). Collection method: clinical testing. Allele origin: germline.
Comment: This variant, c.2998_3000del, results in the deletion of 1 amino acid(s) of the BPTF protein (p.Glu1000del), but otherwise preserves the integrity of the reading frame. The frequency data for this variant in the population databases is considered unreliable, as metrics indicate poor data quality at this position in the gnomAD database. This variant has not been reported in the literature in individuals affected with BPTF-related conditions. Experimental studies and prediction algorithms are not available or were not evaluated, and the functional significance of this variant is currently unknown. In summary, the available evidence is currently insufficient to determine the role of this variant in disease. Therefore, it has been classified as a Variant of Uncertain Significance.

CeGaT Center for Human Genetics Tuebingen
Classification: Uncertain significance. Last evaluated: 2025-05-01. Review status: criteria provided, single submitter. Criteria: CeGaT Center For Human Genetics Tuebingen Variant Classification Criteria Version 2. Collection method: clinical testing. Allele origin: germline. Affected: yes. Observed: 1 variant allele.